The following is an entry in ClinVar:

ClinVar aggregate classification (germline): Likely benign (1 of 4 stars; one submission).

Allele frequency attached by ClinVar (database versions not stated): gnomAD exomes 0.00001; TOPMed 0.00001.
gnomAD v4.1: 5 of 731,652 alleles (0.00068%); highest among the groups gnomAD compares: Admixed American, 0.0026%; no homozygotes.

Submission:

GeneDx
Classification: Likely benign. Last evaluated: 2017-06-16. Review status: criteria provided, single submitter. Criteria: GeneDx Variant Classification (06012015). Collection method: clinical testing. Allele origin: germline. Affected: yes.
Comment: This variant is considered likely benign or benign based on one or more of the following criteria: it is a conservative change, it occurs at a poorly conserved position in the protein, it is predicted to be benign by multiple in silico algorithms, and/or has population frequency not consistent with disease.

NM_033337.3(CAV3):c.*123A>G

Genes: CAV3 (caveolin 3; plus strand), OXTR (oxytocin receptor; minus strand). Cytogenetic location: 3p25.3.
Variant type: single nucleotide variant.
Coding change: c.*123A>G on transcript NM_033337.3 (MANE Select); 123 bases downstream of the stop codon, A replaced by G.
Molecular consequence: 3 prime UTR variant.
Genome position (GRCh38, 1-based): chr3:8,745,990, A>G. VCF-style: chr3-8745990-A-G. GRCh37 (hg19) VCF-style: chr3-8787676-A-G.
Other names: c.*27A>G (NM_001234.5).
Identifiers: ClinVar variation 390304 (VCV000390304.1), dbSNP rs1057523715, ClinGen allele CA16604643.
Genomic context (GRCh38, chr3:8,745,990, plus strand): 5'-ACTTCTTCACAGGGGCTGCTGGCGAGCTCTTTCTCTTTAGGGACTGCTCCATACCCCATG[A>G]TGGAGCACACGGTGTAGGGAAGCCAGAAAGAAAAGACGGCCCAGCCACAGAAGCACAATG-3'